The following is an entry in ClinVar:

NM_002529.4(NTRK1):c.2311C>T (p.Arg771Cys)

Gene: NTRK1 (neurotrophic receptor tyrosine kinase 1; plus strand). Cytogenetic location: 1q23.1.
Variant type: single nucleotide variant.
Coding change: c.2311C>T on transcript NM_002529.4 (MANE Select); coding-DNA position 2311, C replaced by T.
Protein change: p.Arg771Cys; replaces arginine 771 with cysteine.
Molecular consequence: missense variant.
Genome position (GRCh38, 1-based): chr1:156,881,562, C>T. VCF-style: chr1-156881562-C-T. GRCh37 (hg19) VCF-style: chr1-156851354-C-T.
Other names: c.2203C>T, p.Arg735Cys (NM_001007792.1); c.2293C>T, p.Arg765Cys (NM_001012331.2); c.2293C>T (NM_001012331.1); short protein forms R771C, R735C, R765C.
Identifiers: ClinVar variation 1397970 (VCV001397970.12), dbSNP rs1324983370, ClinGen allele CA342941665.

ClinVar aggregate classification (germline): Pathogenic/Likely pathogenic. Review status: criteria provided, multiple submitters, no conflicts (2 of 4 stars). 7 submissions from 7 submitters: Pathogenic (3); Likely pathogenic (4). Last evaluated 2025-12-12.

Conditions:
NTRK1-related disorder. Also called: NTRK1-related condition.
Hereditary insensitivity to pain with anhidrosis (CIPA). Also called: NTRK1 Congenital Insensitivity to Pain with Anhidrosis; FAMILIAL DYSAUTONOMIA, TYPE II; NEUROPATHY, CONGENITAL SENSORY, WITH ANHIDROSIS; hereditary sensory and autonomic neuropathy type 4; HSAN Type IV; INSENSITIVITY TO PAIN, CONGENITAL, WITH ANHIDROSIS. Identifiers: Orphanet 642, MedGen C0020074, MONDO:0009746, OMIM 256800.
Inborn genetic diseases. Identifiers: MedGen C0950123, MeSH D030342.

Allele frequency attached by ClinVar (database versions not stated): TOPMed below 0.00001; gnomAD 0.00001; gnomAD exomes 0.00001.
gnomAD v4.1: 12 of 1,611,072 alleles (0.00074%); highest among the groups gnomAD compares: Admixed American, 0.0017%; no homozygotes.

Submissions (7):

Natera, Inc.
Classification: Likely pathogenic for Hereditary insensitivity to pain with anhidrosis. Last evaluated: 2025-12-12. Review status: criteria provided, single submitter. Criteria: Natera Variant Classification Schema (03/2026). Collection method: clinical testing. Allele origin: germline.
Comment: The c.2293C>T variant in NTRK1 is a missense variant predicted to cause substitution of arginine to cysteine at amino acid 765. This variant is rare in the general population with a frequency below the threshold expected for the associated phenotype(s). This variant has been observed in one or more individuals affected with the associated recessive disease, as either homozygous or compound heterozygous with a second variant (PMID: 30774415, 27676246, 38833577). Computational prediction algorithms indicate this variant is likely to affect gene or protein function. Given the available evidence, this variant is classified as Likely Pathogenic.

Myriad Genetics, Inc.
Classification: Likely pathogenic for Hereditary insensitivity to pain with anhidrosis. Last evaluated: 2025-09-29. Review status: criteria provided, single submitter. Criteria: Myriad Autosomal Dominant, Autosomal Recessive and X-Linked Classification Criteria (2023). Collection method: clinical testing. Allele origin: unknown.
Comment: NM_002529.3(NTRK1):c.2311C>T(R771C) is a missense variant classified as likely pathogenic in the context of congenital insensitivity to pain with anhidrosis, NTRK1-related. R771C has been observed in cases with relevant disease (PMID: 27265460, 27676246). Relevant functional assessments of this variant are available in the literature (PMID: 27676246, 32219930). R771C has been observed in referenced population frequency databases. In summary, NM_002529.3(NTRK1):c.2311C>T(R771C) is a missense variant that has functional support for pathogenicity and has been observed more frequently in cases with the relevant disease than in healthy populations. Please note: this variant was assessed in the context of healthy population screening.

Blueprint Genetics
Classification: Pathogenic for NTRK1-related disorders. Last evaluated: 2024-07-03. Review status: criteria provided, single submitter. Criteria: ACMG Guidelines, 2015. Collection method: clinical testing. Allele origin: germline. Affected: yes. Observed: 2 variant alleles.

3billion
Classification: Pathogenic for Hereditary insensitivity to pain with anhidrosis. Last evaluated: 2024-03-14. Review status: criteria provided, single submitter. Criteria: ACMG Guidelines, 2015. Collection method: clinical testing. Allele origin: germline. Affected: yes.
Comment: The variant is observed at an extremely low frequency in the gnomAD v2.1.1 dataset (total allele frequency: <0.001%). Predicted Consequence/Location: The majority of the known disease-causing variants of this gene are variants expected to result in premature termination of the protein. Functional studies provide strong evidence of the variant having a damaging effect on the gene or gene product (PMID: 27676246). In silico tool predictions suggest damaging effect of the variant on gene or gene product [REVEL: 0.95 (>=0.6, sensitivity 0.68 and specificity 0.92); 3Cnet: 0.90 (>=0.6, sensitivity 0.72 and precision 0.9)]. Same nucleotide change resulting in same amino acid change has been previously reported to be associated with NTRK1 related disorder (ClinVar ID: VCV001397970 /PMID: 27265460).The variant has been reported to be in trans with a pathogenic variant as either compound heterozygous or homozygous in at least one similarly affected unrelated individual (PMID: 27265460, 30774415). A different missense change at the same codon (p.Arg771His) has been reported as pathogenic/likely pathogenic with strong evidence (ClinVar ID: VCV000858212 /PMID: 29770739). Therefore, this variant is classified as Pathogenic according to the recommendation of ACMG/AMP guideline.

Ambry Genetics
Classification: Likely pathogenic for Inborn genetic diseases. Last evaluated: 2024-02-08. Review status: criteria provided, single submitter. Criteria: Ambry Variant Classification Scheme 2023. Collection method: clinical testing. Allele origin: germline.
Comment: The c.2293C>T (p.R765C) alteration is located in exon 16 (coding exon 16) of the NTRK1 gene. This alteration results from a C to T substitution at nucleotide position 2293, causing the arginine (R) at amino acid position 765 to be replaced by a cysteine (C). Based on data from gnomAD, the T allele has an overall frequency of 0.001% (2/242932) total alleles studied. The highest observed frequency was <0.001% (2/20366) of European (Finnish) alleles. This variant has been identified in the homozygous state and in trans with another NTRK1 variant in individuals with features consistent with NTRK1-related congenital insensitivity to pain with anhidrosis (Li, 2019; Geng, 2018; Shaikh, 2017; Wang, 2016). Additionally, another alteration at the same codon, c.2294G>A (p.R765H), has been described in an individual with congenital insensitivity to pain with anhidrosis (Geng, 2018). This amino acid position is highly conserved in available vertebrate species. In an assay testing NTRK1 function, this variant showed a functionally abnormal result (Shaikh, 2017; Zhao, 2020). This alteration is predicted to be deleterious by in silico analysis. Based on the available evidence, this alteration is classified as likely pathogenic.

Labcorp Genetics (formerly Invitae), Labcorp
Classification: Pathogenic for Hereditary insensitivity to pain with anhidrosis. Last evaluated: 2024-01-31. Review status: criteria provided, single submitter. Criteria: Invitae Variant Classification Sherloc (09022015). Collection method: clinical testing. Allele origin: germline.
Comment: This sequence change replaces arginine, which is basic and polar, with cysteine, which is neutral and slightly polar, at codon 765 of the NTRK1 protein (p.Arg765Cys). This variant is present in population databases (no rsID available, gnomAD 0.01%). This missense change has been observed in individual(s) with hereditary sensory and autonomic neuropathy (PMID: 27265460). In at least one individual the data is consistent with being in trans (on the opposite chromosome) from a pathogenic variant. This variant is also known as c.2311C>T (p.Arg771Cys). ClinVar contains an entry for this variant (Variation ID: 1397970). Advanced modeling of protein sequence and biophysical properties (such as structural, functional, and spatial information, amino acid conservation, physicochemical variation, residue mobility, and thermodynamic stability) has been performed at Invitae for this missense variant, however the output from this modeling did not meet the statistical confidence thresholds required to predict the impact of this variant on NTRK1 protein function. Experimental studies have shown that this missense change affects NTRK1 function (PMID: 27676246, 32219930). This variant disrupts the p.Arg765 amino acid residue in NTRK1. Other variant(s) that disrupt this residue have been observed in individuals with NTRK1-related conditions (PMID: 30774415), which suggests that this may be a clinically significant amino acid residue. For these reasons, this variant has been classified as Pathogenic.

Fulgent Genetics
Classification: Likely pathogenic for Hereditary insensitivity to pain with anhidrosis. Last evaluated: 2024-01-11. Review status: criteria provided, single submitter. Criteria: ACMG Guidelines, 2015. Collection method: clinical testing. Allele origin: germline.

Literature cited by the submitters: PubMed 30774415 (cited by 4 submitters); PubMed 27676246 (cited by 5 submitters); PubMed 38833577 (cited by Natera, Inc.); PubMed 27265460 (cited by 4 submitters); PubMed 32219930 (cited by 3 submitters); PubMed 29770739 (cited by 3billion and Ambry Genetics).